The following is an entry in ClinVar:

ClinVar aggregate classification (germline): Conflicting classifications of pathogenicity. Review status: criteria provided, conflicting classifications (1 of 4 stars). 3 submissions from 3 submitters: Uncertain significance (1); Likely benign (2). Last evaluated 2024-10-29.

Conditions:
Hereditary cancer-predisposing syndrome. Also called: Hereditary Cancer Syndrome; Neoplastic Syndromes, Hereditary; Tumor predisposition; Hereditary neoplastic syndrome. Identifiers: Orphanet 140162, MedGen C0027672, MeSH D009386, MONDO:0015356.
Hereditary breast ovarian cancer syndrome. Also called: Breast and ovarian cancer; Hereditary breast and ovarian cancer; Hereditary breast and/or ovarian cancer syndrome; BRCA1- and BRCA2-Associated Hereditary Breast and Ovarian Cancer; Hereditary breast and ovarian cancer syndrome (HBOC); Hereditary breast and ovarian cancer syndrome. Identifiers: Orphanet 145, MedGen C0677776, MeSH D061325, MONDO:0003582. Disease mechanism: loss of function.

Allele frequency attached by ClinVar (database versions not stated): ExAC 0.00001.
gnomAD v4.1: 3 of 1,611,560 alleles (0.00019%); highest among the groups gnomAD compares: South Asian, 0.0033%; no homozygotes.

Submissions (3):

Ambry Genetics
Classification: Likely benign for Hereditary cancer-predisposing syndrome. Last evaluated: 2024-10-29. Review status: criteria provided, single submitter. Criteria: Ambry Variant Classification Scheme 2023. Collection method: clinical testing. Allele origin: germline.

Labcorp Genetics (formerly Invitae), Labcorp
Classification: Uncertain significance for Hereditary breast ovarian cancer syndrome. Last evaluated: 2024-03-01. Review status: criteria provided, single submitter. Criteria: Invitae Variant Classification Sherloc (09022015). Collection method: clinical testing. Allele origin: germline.
Comment: This sequence change replaces tyrosine, which is neutral and polar, with cysteine, which is neutral and slightly polar, at codon 1749 of the BRCA2 protein (p.Tyr1749Cys). This variant is present in population databases (rs55828982, gnomAD 0.007%). This variant has not been reported in the literature in individuals affected with BRCA2-related conditions. ClinVar contains an entry for this variant (Variation ID: 1746318). Advanced modeling of protein sequence and biophysical properties (such as structural, functional, and spatial information, amino acid conservation, physicochemical variation, residue mobility, and thermodynamic stability) performed at Invitae indicates that this missense variant is not expected to disrupt BRCA2 protein function with a negative predictive value of 95%. In summary, the available evidence is currently insufficient to determine the role of this variant in disease. Therefore, it has been classified as a Variant of Uncertain Significance.

University of Washington Department of Laboratory Medicine, University of Washington
Classification: Likely benign for Hereditary cancer-predisposing syndrome. Last evaluated: 2023-03-23. Review status: criteria provided, single submitter. Criteria: Dines et al. (Genet Med. 2020). Collection method: curation. Allele origin: germline.
Comment: Missense variant in a coldspot region where missense variants are very unlikely to be pathogenic (PMID:31911673).

BRCA2 exon 11 coldspot. Reclassification based on statistical prior probability.

NM_000059.4(BRCA2):c.5246A>G (p.Tyr1749Cys)

Gene: BRCA2 (BRCA2 DNA repair associated; plus strand). Cytogenetic location: 13q13.1.
Variant type: single nucleotide variant.
Coding change: c.5246A>G on transcript NM_000059.4 (MANE Select); coding-DNA position 5246, A replaced by G.
Protein change: p.Tyr1749Cys; replaces tyrosine 1749 with cysteine.
Molecular consequence: missense variant.
Genome position (GRCh38, 1-based): chr13:32,339,601, A>G. VCF-style: chr13-32339601-A-G. GRCh37 (hg19) VCF-style: chr13-32913738-A-G.
Other names: c.5246A>G, p.Tyr1749Cys (NM_001406719.1, NM_001406720.1); short protein forms Y1749C.
Identifiers: ClinVar variation 1746318 (VCV001746318.8), dbSNP rs55828982, ClinGen allele CA6940859.
Genomic context (GRCh38, chr13:32,339,601, plus strand): 5'-AAAATCATCTCTCCGAAAAACAAGATACTTATTTAAGTAACAGTAGCATGTCTAACAGCT[A>G]TTCCTACCATTCTGATGAGGTATATAATGATTCAGGATATCTCTCAAAAAATAAACTTGA-3'
Protein context (NP_000050.3, residues 1739-1759): YLSNSSMSNS[Tyr1749Cys]SYHSDEVYND